The following is an entry in ClinVar:

ClinVar aggregate classification (germline): Uncertain significance (1 of 4 stars; one submission).

Allele frequency attached by ClinVar (database versions not stated): ExAC 0.00001; gnomAD 0.00001; TOPMed 0.00001; ESP Exome Variant Server 0.00008.
gnomAD v4.1: 10 of 1,613,284 alleles (0.00062%); highest among the groups gnomAD compares: Non-Finnish European, 0.00085%; no homozygotes.

Submission:

Labcorp Genetics (formerly Invitae), Labcorp
Classification: Uncertain significance. Last evaluated: 2024-12-02. Review status: criteria provided, single submitter. Criteria: Invitae Variant Classification Sherloc (09022015). Collection method: clinical testing. Allele origin: germline.
Comment: This sequence change replaces serine, which is neutral and polar, with phenylalanine, which is neutral and non-polar, at codon 709 of the MAGI2 protein (p.Ser709Phe). This variant is present in population databases (rs374693913, gnomAD 0.0009%). This variant has not been reported in the literature in individuals affected with MAGI2-related conditions. ClinVar contains an entry for this variant (Variation ID: 2047419). An algorithm developed to predict the effect of missense changes on protein structure and function (PolyPhen-2) suggests that this variant is likely to be disruptive. In summary, the available evidence is currently insufficient to determine the role of this variant in disease. Therefore, it has been classified as a Variant of Uncertain Significance.

NM_012301.4(MAGI2):c.2126C>T (p.Ser709Phe)

Gene: MAGI2 (membrane associated guanylate kinase, WW and PDZ domain containing 2; minus strand). Cytogenetic location: 7q21.11.
Variant type: single nucleotide variant.
Coding change: c.2126C>T on transcript NM_012301.4 (MANE Select); coding-DNA position 2126, C replaced by T.
Protein change: p.Ser709Phe; replaces serine 709 with phenylalanine.
Molecular consequence: missense variant.
Genome position (GRCh38, 1-based): chr7:78,195,017, G>A on the plus strand (C>T on the coding strand, the complement: MAGI2 is on the minus strand). VCF-style: chr7-78195017-G-A. GRCh37 (hg19) VCF-style: chr7-77824334-G-A.
Other names: c.2126C>T, p.Ser709Phe (NM_001301128.2); short protein forms S709F.
Identifiers: ClinVar variation 2047419 (VCV002047419.4), dbSNP rs374693913, ClinGen allele CA4313870.